The following is an entry in ClinVar:

ClinVar aggregate classification (germline): Uncertain significance (1 of 4 stars; one submission).

Conditions:
TTC21B-related disorder. Also called: TTC21B-related condition; TTC21B-related disorders.

Submission:

PreventionGenetics, part of Exact Sciences
Classification: Uncertain significance for TTC21B-related condition. Last evaluated: 2026-02-03. Review status: criteria provided, single submitter. Criteria: ACMG Guidelines, 2015. Collection method: clinical testing. Allele origin: germline.
Comment: The TTC21B c.3652G>C variant is predicted to result in the amino acid substitution p.Asp1218His. To our knowledge, this variant has not been reported in the literature or in a large population database (gnomAD), indicating this variant is rare. At this time, the clinical significance of this variant is uncertain due to the absence of conclusive functional and genetic evidence.

NM_024753.5(TTC21B):c.3652G>C (p.Asp1218His)

Gene: TTC21B (tetratricopeptide repeat domain 21B; minus strand). Cytogenetic location: 2q24.3.
Variant type: single nucleotide variant.
Coding change: c.3652G>C on transcript NM_024753.5 (MANE Select); coding-DNA position 3652, G replaced by C.
Protein change: p.Asp1218His; replaces aspartic acid 1218 with histidine.
Molecular consequence: missense variant.
Genome position (GRCh38, 1-based): chr2:165,883,826, C>G on the plus strand (G>C on the coding strand, the complement: TTC21B is on the minus strand). VCF-style: chr2-165883826-C-G. GRCh37 (hg19) VCF-style: chr2-166740336-C-G.
Other names: short protein forms D1218H.
Identifiers: ClinVar variation 4994733 (VCV004994733.1).